The following is an entry in ClinVar:

ClinVar aggregate classification (germline): Uncertain significance. Review status: criteria provided, multiple submitters, no conflicts (2 of 4 stars). 2 submissions from 2 submitters: Uncertain significance (2). Last evaluated 2025-05-15.

Allele frequency attached by ClinVar (database versions not stated): ExAC 0.00001; TOPMed 0.00003; gnomAD 0.00004; gnomAD exomes 0.00007.
gnomAD v4.1: 106 of 1,612,992 alleles (0.0066%); highest among the groups gnomAD compares: East Asian, 0.033%; no homozygotes.

Submissions (2):

Ambry Genetics
Classification: Uncertain significance. Last evaluated: 2025-05-15. Review status: criteria provided, single submitter. Criteria: Ambry Variant Classification Scheme 2023. Collection method: clinical testing. Allele origin: germline.

Labcorp Genetics (formerly Invitae), Labcorp
Classification: Uncertain significance. Last evaluated: 2024-08-28. Review status: criteria provided, single submitter. Criteria: Invitae Variant Classification Sherloc (09022015). Collection method: clinical testing. Allele origin: germline.
Comment: This sequence change replaces threonine, which is neutral and polar, with methionine, which is neutral and non-polar, at codon 1622 of the SORL1 protein (p.Thr1622Met). This variant is present in population databases (rs758432966, gnomAD 0.006%). This variant has not been reported in the literature in individuals affected with SORL1-related conditions. An algorithm developed to predict the effect of missense changes on protein structure and function (PolyPhen-2) suggests that this variant is likely to be disruptive. In summary, the available evidence is currently insufficient to determine the role of this variant in disease. Therefore, it has been classified as a Variant of Uncertain Significance.

NM_003105.6(SORL1):c.4865C>T (p.Thr1622Met)

Gene: SORL1 (sortilin related receptor 1; plus strand). Cytogenetic location: 11q24.1.
Variant type: single nucleotide variant.
Coding change: c.4865C>T on transcript NM_003105.6 (MANE Select); coding-DNA position 4865, C replaced by T.
Protein change: p.Thr1622Met; replaces threonine 1622 with methionine.
Molecular consequence: missense variant.
Genome position (GRCh38, 1-based): chr11:121,605,488, C>T. VCF-style: chr11-121605488-C-T. GRCh37 (hg19) VCF-style: chr11-121476197-C-T.
Other names: short protein forms T1622M.
Identifiers: ClinVar variation 3167614 (VCV003167614.4), dbSNP rs758432966, ClinGen allele CA6329764.